The following is an entry in ClinVar:

NM_006302.3(MOGS):c.562G>A (p.Val188Met)

Gene: MOGS (mannosyl-oligosaccharide glucosidase; minus strand). Cytogenetic location: 2p13.1.
Variant type: single nucleotide variant.
Coding change: c.562G>A on transcript NM_006302.3 (MANE Select); coding-DNA position 562, G replaced by A.
Protein change: p.Val188Met; replaces valine 188 with methionine.
Molecular consequence: missense variant.
Genome position (GRCh38, 1-based): chr2:74,464,513, C>T on the plus strand (G>A on the coding strand, the complement: MOGS is on the minus strand). VCF-style: chr2-74464513-C-T. GRCh37 (hg19) VCF-style: chr2-74691640-C-T.
Other names: c.562G>A, p.Val188Met (LRG_1226t1); c.244G>A, p.Val82Met (NM_001146158.2); short protein forms V188M, V82M.
Identifiers: ClinVar variation 655167 (VCV000655167.7), dbSNP rs746611980, ClinGen allele CA1725000.

ClinVar aggregate classification (germline): Uncertain significance (1 of 4 stars; one submission).

Conditions:
MOGS-congenital disorder of glycosylation. Also called: CDG 2B; MOGS-CDG; GLUCOSIDASE I DEFICIENCY; CDG IIb. Identifiers: Orphanet 79330, MedGen C1853736, MONDO:0011629, OMIM 606056.

Allele frequency attached by ClinVar (database versions not stated): ExAC 0.00001; gnomAD exomes below 0.00001.

Submission:

Labcorp Genetics (formerly Invitae), Labcorp
Classification: Uncertain significance for MOGS-congenital disorder of glycosylation. Last evaluated: 2020-03-07. Review status: criteria provided, single submitter. Criteria: Invitae Variant Classification Sherloc (09022015). Collection method: clinical testing. Allele origin: germline.
Comment: This sequence change replaces valine with methionine at codon 188 of the MOGS protein (p.Val188Met). The valine residue is moderately conserved and there is a small physicochemical difference between valine and methionine. This variant is present in population databases (rs746611980, ExAC 0.006%). This variant has not been reported in the literature in individuals with MOGS-related disease. Algorithms developed to predict the effect of missense changes on protein structure and function are either unavailable or do not agree on the potential impact of this missense change (SIFT: "Deleterious"; PolyPhen-2: "Probably Damaging"; Align-GVGD: "Class C0"). In summary, the available evidence is currently insufficient to determine the role of this variant in disease. Therefore, it has been classified as a Variant of Uncertain Significance.